The following is an entry in ClinVar:

ClinVar aggregate classification (germline): Uncertain significance (1 of 4 stars; one submission).

Conditions:
Arrhythmogenic right ventricular dysplasia 5. Also called: Arrhythmogenic Right Ventricular Dysplasia/Cardiomyopathy 5; ARRHYTHMOGENIC RIGHT VENTRICULAR DYSPLASIA, FAMILIAL, 5. Identifiers: MedGen C1858379, MONDO:0011459, OMIM 604400.

Submission:

Labcorp Genetics (formerly Invitae), Labcorp
Classification: Uncertain significance for Arrhythmogenic right ventricular dysplasia 5. Last evaluated: 2019-03-13. Review status: criteria provided, single submitter. Criteria: Invitae Variant Classification Sherloc (09022015). Collection method: clinical testing. Allele origin: germline.
Comment: This sequence change falls in intron 11 of the TMEM43 gene. It does not directly change the encoded amino acid sequence of the TMEM43 protein, but it affects a nucleotide within the consensus splice site of the intron. This variant is not present in population databases (ExAC no frequency). This variant has not been reported in the literature in individuals with TMEM43-related conditions. Nucleotide substitutions within the consensus splice site are a relatively common cause of aberrant splicing (PMID: 17576681, 9536098). Algorithms developed to predict the effect of sequence changes on RNA splicing suggest that this variant may disrupt the consensus splice site, but this prediction has not been confirmed by published transcriptional studies. In summary, the available evidence is currently insufficient to determine the role of this variant in disease. Therefore, it has been classified as a Variant of Uncertain Significance.

Literature cited by the submitters: PubMed 17576681; PubMed 9536098.

NM_024334.3(TMEM43):c.1000+3A>G

Gene: TMEM43 (transmembrane protein 43; plus strand). Cytogenetic location: 3p25.1.
Variant type: single nucleotide variant.
Coding change: c.1000+3A>G on transcript NM_024334.3 (MANE Select); 3 bases into the intron after coding-DNA position 1000, A replaced by G.
Molecular consequence: intron variant.
Genome position (GRCh38, 1-based): chr3:14,139,300, A>G. VCF-style: chr3-14139300-A-G. GRCh37 (hg19) VCF-style: chr3-14180800-A-G.
Identifiers: ClinVar variation 843555 (VCV000843555.3), dbSNP rs1695218964, ClinGen allele CA916081424.